The following is an entry in ClinVar:

ClinVar aggregate classification (germline): Pathogenic/Likely pathogenic. Review status: criteria provided, multiple submitters, no conflicts (2 of 4 stars). 2 submissions from 2 submitters: Pathogenic (1); Likely pathogenic (1). Last evaluated 2024-06-04.

Conditions:
Autosomal dominant nonsyndromic hearing loss 11. Identifiers: Orphanet 90635, MedGen C1832475, MONDO:0011032, OMIM 601317.
Autosomal recessive nonsyndromic hearing loss 2. Also called: NEUROSENSORY NONSYNDROMIC RECESSIVE DEAFNESS 2; DEAFNESS, AUTOSOMAL RECESSIVE 2. Identifiers: Orphanet 90636, MedGen C1838701, MONDO:0010807, OMIM 600060.
Usher syndrome type 1 (USH1). Also called: RETINITIS PIGMENTOSA AND CONGENITAL DEAFNESS. Identifiers: Orphanet 231169, Orphanet 886, MedGen C1568247, MONDO:0010168, OMIM 276900.

gnomAD v4.1: 2 of 1,613,268 alleles (0.00012%); highest among the groups gnomAD compares: South Asian, 0.0011%; no homozygotes.

Submissions (2):

Fulgent Genetics
Classification: Likely pathogenic for Usher syndrome type 1; Autosomal recessive nonsyndromic hearing loss 2; Autosomal dominant nonsyndromic hearing loss 11. Last evaluated: 2024-06-04. Review status: criteria provided, single submitter. Criteria: ACMG Guidelines, 2015. Collection method: clinical testing. Allele origin: germline.

Labcorp Genetics (formerly Invitae), Labcorp
Classification: Pathogenic. Last evaluated: 2022-12-17. Review status: criteria provided, single submitter. Criteria: Invitae Variant Classification Sherloc (09022015). Collection method: clinical testing. Allele origin: germline.
Comment: For these reasons, this variant has been classified as Pathogenic. This variant disrupts the p.Arg241 amino acid residue in MYO7A. Other variant(s) that disrupt this residue have been determined to be pathogenic (PMID: 21436283, 23770805, 26226137, 31479088). This suggests that this residue is clinically significant, and that variants that disrupt this residue are likely to be disease-causing. Algorithms developed to predict the effect of sequence changes on RNA splicing suggest that this variant may create or strengthen a splice site. Advanced modeling of protein sequence and biophysical properties (such as structural, functional, and spatial information, amino acid conservation, physicochemical variation, residue mobility, and thermodynamic stability) performed at Invitae indicates that this missense variant is expected to disrupt MYO7A protein function. This missense change has been observed in individuals with autosomal recessive Usher syndrome (PMID: 17361009, 33576794). This variant is present in population databases (no rsID available, gnomAD 0.0009%). This sequence change replaces arginine, which is basic and polar, with glycine, which is neutral and non-polar, at codon 241 of the MYO7A protein (p.Arg241Gly).

Literature cited by the submitters: PubMed 21436283 (cited by Labcorp Genetics (formerly Invitae), Labcorp); PubMed 23770805 (cited by Labcorp Genetics (formerly Invitae), Labcorp); PubMed 26226137 (cited by Labcorp Genetics (formerly Invitae), Labcorp); PubMed 31479088 (cited by Labcorp Genetics (formerly Invitae), Labcorp); PubMed 17361009 (cited by Labcorp Genetics (formerly Invitae), Labcorp); PubMed 33576794 (cited by Labcorp Genetics (formerly Invitae), Labcorp).

NM_000260.4(MYO7A):c.721C>G (p.Arg241Gly)

Gene: MYO7A (myosin VIIA; plus strand). Cytogenetic location: 11q13.5.
Variant type: single nucleotide variant.
Coding change: c.721C>G on transcript NM_000260.4 (MANE Select); coding-DNA position 721, C replaced by G.
Protein change: p.Arg241Gly; replaces arginine 241 with glycine.
Molecular consequence: missense variant.
Genome position (GRCh38, 1-based): chr11:77,156,990, C>G. VCF-style: chr11-77156990-C-G. GRCh37 (hg19) VCF-style: chr11-76868036-C-G.
Other names: c.721C>G, p.Arg241Gly (NM_001127180.2); c.688C>G, p.Arg230Gly (NM_001369365.1); short protein forms R230G, R241G.
Identifiers: ClinVar variation 2137200 (VCV002137200.5), dbSNP rs782166819, ClinGen allele CA381932292.
Genomic context (GRCh38, chr11:77,156,990, plus strand): 5'-TTCAACAAGCGGGGCGCCATCGAGGGCGCGAAGATTGAGCAGTACCTGCTGGAAAAGTCA[C>G]GTGTCTGTCGCCAGGTGGGCCTGAGCCCCAGGGATGCAGGAATAGACCCAGGCCCCTGGC-3'
Protein context (NP_000251.3, residues 231-251): KIEQYLLEKS[Arg241Gly]VCRQALDERN